The following is an entry in ClinVar:

NM_002055.5(GFAP):c.342C>A (p.Asp114Glu)

Gene: GFAP (glial fibrillary acidic protein; minus strand). Cytogenetic location: 17q21.31.
Variant type: single nucleotide variant.
Coding change: c.342C>A on transcript NM_002055.5 (MANE Select); coding-DNA position 342, C replaced by A.
Protein change: p.Asp114Glu; replaces aspartic acid 114 with glutamic acid.
Molecular consequence: missense variant.
Genome position (GRCh38, 1-based): chr17:44,915,145, G>T on the plus strand (C>A on the coding strand, the complement: GFAP is on the minus strand). VCF-style: chr17-44915145-G-T. GRCh37 (hg19) VCF-style: chr17-42992513-G-T.
Other names: p.Asp114Glu; NM_002055.5(GFAP):c.342C>A; c.342C>A, p.Asp114Glu (NM_001131019.3, NM_001242376.3, NM_001363846.2); short protein forms D114E.
Identifiers: ClinVar variation 323624 (VCV000323624.19), dbSNP rs115282391, ClinGen allele CA8609056.

ClinVar aggregate classification (germline): Benign. Review status: reviewed by expert panel (3 of 4 stars). 7 submissions from 7 submitters: Benign (1). 6 of the submissions do not count toward it. Last evaluated 2026-08-18.

Conditions:
Alexander disease (ALXDRD). Also called: Alexander's disease. Identifiers: Orphanet 58, MedGen C0270726, MONDO:0008752, OMIM 203450.

Allele frequency attached by ClinVar (database versions not stated): ESP Exome Variant Server 0.00315; TOPMed 0.00314; 1000 Genomes Project 30x 0.00390; 1000 Genomes Project 0.00399.

Submissions (7):

ClinGen Leukodystrophy and Leukoencephalopathy Variant Curation Expert Panel, ClinGen
Classification: Benign for Alexander disease. Last evaluated: 2026-08-18. Review status: reviewed by expert panel. Criteria: ClinGen Leuko ACMG Specifications GFAP V1.0. Collection method: curation. Allele origin: germline. Inheritance: Autosomal dominant inheritance.
Comment: The NM_002055.5(GFAP):c.342C>A, variant in GFAP is a missense variant predicited to cause a substitution of aspartic acid by glutamic acid at amino acid 114 (p.Asp114Glu). The GrpMax filtering allele frequency in gnomAD v4.1.0 is 0.007501 from the African/African American genetic ancestry group (the lower threshold of the 95% CI of 603/75068 alleles), which is higher than the ClinGen Leukodystrophy and Leukoencephalopathy Expert Panel Specifications to the ACMG/AMP Variant Interpretation Guidelines for GFAP Version 1.0.0 threshold ≥ 0.01% for BA1, and therefore meets this criterion (BA1). In summary, this variant meets the criteria to be classified as benign based on the ACMG/AMP criteria applied, as specified by the ClinGen Leukodystrophy and Leukoencephalopathy VCEP: BA1 (ClinGen Leukodystrophy and Leukoencephalopathy VCEP Specifications Version 1.0.0).

Labcorp Genetics (formerly Invitae), Labcorp
Classification: Benign. Last evaluated: 2026-01-27. Review status: criteria provided, single submitter. Criteria: Invitae Variant Classification Sherloc (09022015). Collection method: clinical testing. Allele origin: germline. Not counted in ClinVar's aggregate classification.

CeGaT Center for Human Genetics Tuebingen
Classification: Likely benign. Last evaluated: 2025-11-01. Review status: criteria provided, single submitter. Criteria: CeGaT Center For Human Genetics Tuebingen Variant Classification Criteria Version 2. Collection method: clinical testing. Allele origin: germline. Affected: yes. Observed: 1 variant allele. Not counted in ClinVar's aggregate classification.
Comment: GFAP: BS1

Mayo Clinic Laboratories, Mayo Clinic
Classification: Benign. Last evaluated: 2024-11-26. Review status: criteria provided, single submitter. Criteria: ACMG Guidelines, 2015. Collection method: clinical testing. Allele origin: germline. Observed: 2 variant alleles. Not counted in ClinVar's aggregate classification.
Comment: BS1, BS2

Blueprint Genetics
Classification: Likely benign. Last evaluated: 2024-08-28. Review status: criteria provided, single submitter. Criteria: ACMG Guidelines, 2015. Collection method: clinical testing. Allele origin: germline. Not counted in ClinVar's aggregate classification.

GeneDx
Classification: Likely benign. Last evaluated: 2015-06-12. Review status: criteria provided, single submitter. Criteria: GeneDx Variant Classification (06012015). Collection method: clinical testing. Allele origin: germline. Affected: yes. Not counted in ClinVar's aggregate classification.
Comment: This variant is considered likely benign or benign based on one or more of the following criteria: it is a conservative change, it occurs at a poorly conserved position in the protein, it is predicted to be benign by multiple in silico algorithms, and/or has population frequency not consistent with disease.

Breakthrough Genomics
Classification: Likely benign. Review status: criteria provided, single submitter. Criteria: ACMG Guidelines, 2015. Collection method: not provided. Allele origin: germline. Inheritance: Autosomal dominant inheritance. Affected: yes. Not counted in ClinVar's aggregate classification.